The following is an entry in ClinVar:

ClinVar aggregate classification (germline): Uncertain significance (1 of 4 stars; one submission).

Conditions:
Catecholaminergic polymorphic ventricular tachycardia (CVPT). Also called: Catecholamine-induced polymorphic ventricular tachycardia. Identifiers: Orphanet 3286, MedGen C5574922, MONDO:0017990.

Submission:

All of Us Research Program, National Institutes of Health
Classification: Uncertain significance for Catecholaminergic polymorphic ventricular tachycardia. Last evaluated: 2023-06-08. Review status: criteria provided, single submitter. Criteria: ACMG Guidelines, 2015. Collection method: clinical testing. Allele origin: germline. Inheritance: Autosomal dominant inheritance. Observed: 1 variant allele, 1 heterozygote.
Comment: This missense variant replaces alanine with valine at codon 2270 of the RYR2 protein. Computational prediction suggests that this variant may have deleterious impact on protein structure and function (internally defined REVEL score threshold >= 0.7, PMID: 27666373). To our knowledge, functional studies have not been reported for this variant. This variant has not been reported in individuals affected with RYR2-related disorders in the literature. This variant has not been identified in the general population by the Genome Aggregation Database (gnomAD). The available evidence is insufficient to determine the role of this variant in disease conclusively. Therefore, this variant is classified as a Variant of Uncertain Significance.

This study involves interpretation of variants in research participants for the purpose of population health screening. Participant phenotype was not available at the time of variant classification. Additional details can be found in publication PMID: 35346344, PMCID: PMC8962531

NM_001035.3(RYR2):c.6809C>T (p.Ala2270Val)

Gene: RYR2 (ryanodine receptor 2; plus strand). Cytogenetic location: 1q43.
Variant type: single nucleotide variant.
Coding change: c.6809C>T on transcript NM_001035.3 (MANE Select); coding-DNA position 6809, C replaced by T.
Protein change: p.Ala2270Val; replaces alanine 2270 with valine.
Molecular consequence: missense variant.
Genome position (GRCh38, 1-based): chr1:237,638,373, C>T. VCF-style: chr1-237638373-C-T. GRCh37 (hg19) VCF-style: chr1-237801673-C-T.
Other names: short protein forms A2270V.
Identifiers: ClinVar variation 3071556 (VCV003071556.1), dbSNP rs2148723674, ClinGen allele CA345395453.